The following is an entry in ClinVar:

NM_000525.4(KCNJ11):c.1044G>C (p.Gln348His)

Gene: KCNJ11 (potassium inwardly rectifying channel subfamily J member 11; minus strand). Cytogenetic location: 11p15.1.
Variant type: single nucleotide variant.
Coding change: c.1044G>C on transcript NM_000525.4 (MANE Select); coding-DNA position 1044, G replaced by C.
Protein change: p.Gln348His; replaces glutamine 348 with histidine.
Molecular consequence: missense variant.
Genome position (GRCh38, 1-based): chr11:17,387,048, C>G on the plus strand (G>C on the coding strand, the complement: KCNJ11 is on the minus strand). VCF-style: chr11-17387048-C-G. GRCh37 (hg19) VCF-style: chr11-17408595-C-G.
Other names: c.783G>C, p.Gln261His (NM_001166290.2, NM_001377296.1, NM_001377297.1); short protein forms Q261H, Q348H.
Identifiers: ClinVar variation 917414 (VCV000917414.4), dbSNP rs745379486, ClinGen allele CA5902193.

ClinVar aggregate classification (germline): Uncertain significance. Review status: criteria provided, multiple submitters, no conflicts (2 of 4 stars). 3 submissions from 3 submitters: Uncertain significance (3). Last evaluated 2021-10-05.

Conditions:
Monogenic diabetes. Identifiers: Orphanet 183625, MedGen C3888631, MONDO:0015967.
Transitory neonatal diabetes mellitus. Also called: Transient neonatal diabetes mellitus. Identifiers: MedGen C0342273, MONDO:0020525, HP:0008255.
Maturity-onset diabetes of the young type 13. Also called: MODY, TYPE 13. Identifiers: Orphanet 552, MedGen C4225365, MONDO:0014589, OMIM 616329.
Diabetes mellitus, permanent neonatal 2. Also called: KCNJ11-Related Permanent Neonatal Diabetes Mellitus. Identifiers: MedGen C5394296, MONDO:0030087, OMIM 618856.
Hyperinsulinemic hypoglycemia, familial, 2. Also called: HYPERINSULINEMIC HYPOGLYCEMIA, PERSISTENT; HYPERINSULINISM, NEONATAL. Identifiers: Orphanet 276580, Orphanet 276603, MedGen C2931833, MONDO:0011153, OMIM 601820. Disease mechanism: loss of function.
Type 2 diabetes mellitus. Also called: Type II diabetes mellitus. Identifiers: MedGen C0011860, MeSH D003924, MONDO:0005148, OMIM 125853, HP:0005978.
Diabetes mellitus, transient neonatal, 3 (TNDM3). Identifiers: Orphanet 99886, MedGen C1864623, MONDO:0012522, OMIM 610582. Disease mechanism: loss of function.

Allele frequency attached by ClinVar (database versions not stated): gnomAD exomes 0.00002 and 0.00001; gnomAD 0.00001 and 0.00002; TOPMed 0.00001; ExAC 0.00002.

Submissions (3):

Fulgent Genetics
Classification: Uncertain significance for Type 2 diabetes mellitus; Hyperinsulinemic hypoglycemia, familial, 2; Diabetes mellitus, transient neonatal, 3; Maturity-onset diabetes of the young type 13; Diabetes mellitus, permanent neonatal 2. Last evaluated: 2021-10-05. Review status: criteria provided, single submitter. Criteria: ACMG Guidelines, 2015. Collection method: clinical testing. Allele origin: unknown.

Personalized Diabetes Medicine Program, University of Maryland School of Medicine
Classification: Uncertain significance for Monogenic diabetes. Last evaluated: 2019-02-22. Review status: criteria provided, single submitter. Criteria: ACMG Guidelines, 2015. Collection method: research. Allele origin: unknown. Observed: 1 variant allele, 1 heterozygote.
Comment: ACMG criteria: PM2 (extremely low frequency in gnomAD)= VUS (REVEL 0.513 + PP3/7 predictors + BP4/2 predictors= conflicting evidence, not using)

Clinical Genomics, Uppaluri K&H Personalized Medicine Clinic
Classification: Uncertain significance for Transitory neonatal diabetes mellitus. Review status: criteria provided, single submitter. Criteria: K&H Uppaluri Personalized Medicine Clinic Variant Classification & Assertion Criteria. Collection method: research. Allele origin: somatic. Inheritance: Autosomal dominant inheritance.
Comment: Mutations in KCNJ11 gene can cause decreased production and secretion of insulin. This can lead to MODY which may be responsive to oral sulfonylureas. It is also associated with Neonatal Diabetes. However, no sufficient evidence is found to ascertain the role of rs745379486 variant in MODY yet.

Literature cited by the submitters: PubMed 26448950 (cited by Clinical Genomics, Uppaluri K&H Personalized Medicine Clinic); PubMed 15580558 (cited by Clinical Genomics, Uppaluri K&H Personalized Medicine Clinic); PubMed 15718250 (cited by Clinical Genomics, Uppaluri K&H Personalized Medicine Clinic).